The following is an entry in ClinVar:

NM_181078.3(IL21R):c.1028C>G (p.Ser343Cys)

Genes: IL21R (interleukin 21 receptor; plus strand), IL21R-AS1 (IL21R antisense RNA 1; minus strand), LOC130058712 (ATAC-STARR-seq lymphoblastoid active region 10626; plus strand). Cytogenetic location: 16p12.1.
Variant type: single nucleotide variant.
Coding change: c.1028C>G on transcript NM_181078.3 (MANE Select); coding-DNA position 1028, C replaced by G.
Protein change: p.Ser343Cys; replaces serine 343 with cysteine.
Molecular consequence: missense variant. On other transcripts: non-coding transcript variant (1).
Genome position (GRCh38, 1-based): chr16:27,448,694, C>G. VCF-style: chr16-27448694-C-G. GRCh37 (hg19) VCF-style: chr16-27460015-C-G.
Other names: c.1028C>G, p.Ser343Cys (NM_021798.4); c.1094C>G, p.Ser365Cys (NM_181079.5); short protein forms S365C, S343C.
Identifiers: ClinVar variation 1489492 (VCV001489492.8), dbSNP rs2141318837, ClinGen allele CA395307043.
Genomic context (GRCh38, chr16:27,448,694, plus strand): 5'-GGAGCCCGGCCAAGAGGCTGCAGCTCACGGAGCTACAAGAACCAGCAGAGCTGGTGGAGT[C>G]TGACGGTGTGCCCAAGCCCAGCTTCTGGCCGACAGCCCAGAACTCGGGGGGCTCAGCTTA-3'
Protein context (NP_851564.1, residues 333-353): ELQEPAELVE[Ser343Cys]DGVPKPSFWP

ClinVar aggregate classification (germline): Uncertain significance (1 of 4 stars; one submission).

Conditions:
Cryptosporidiosis-chronic cholangitis-liver disease syndrome. Also called: IL21R immunodeficiency; Immunodeficiency type 56. Identifiers: Orphanet 357329, MedGen C3554687, MONDO:0014082, OMIM 615207.

Allele frequency attached by ClinVar (database versions not stated): gnomAD exomes below 0.00001.
gnomAD v4.1: 1 of 1,613,252 alleles (0.000062%); highest among the groups gnomAD compares: Non-Finnish European, 0.000085%; no homozygotes.

Submission:

Labcorp Genetics (formerly Invitae), Labcorp
Classification: Uncertain significance for Cryptosporidiosis-chronic cholangitis-liver disease syndrome. Last evaluated: 2021-04-04. Review status: criteria provided, single submitter. Criteria: Invitae Variant Classification Sherloc (09022015). Collection method: clinical testing. Allele origin: germline.
Comment: In summary, the available evidence is currently insufficient to determine the role of this variant in disease. Therefore, it has been classified as a Variant of Uncertain Significance. Algorithms developed to predict the effect of missense changes on protein structure and function output the following: SIFT: "Tolerated"; PolyPhen-2: "Benign"; Align-GVGD: "Class C0". The cysteine amino acid residue is found in multiple mammalian species, suggesting that this missense change does not adversely affect protein function. These predictions have not been confirmed by published functional studies and their clinical significance is uncertain. This variant has not been reported in the literature in individuals with IL21R-related conditions. This variant is not present in population databases (ExAC no frequency). This sequence change replaces serine with cysteine at codon 343 of the IL21R protein (p.Ser343Cys). The serine residue is weakly conserved and there is a moderate physicochemical difference between serine and cysteine.